The following is an entry in ClinVar:

NM_003922.4(HERC1):c.6420G>A (p.Val2140=)

Gene: HERC1 (HECT and RLD domain containing E3 ubiquitin protein ligase family member 1; minus strand). Cytogenetic location: 15q22.31.
Variant type: single nucleotide variant.
Coding change: c.6420G>A on transcript NM_003922.4 (MANE Select); coding-DNA position 6420, G replaced by A.
Protein change: p.Val2140=; no amino-acid change (valine 2140 retained).
Molecular consequence: synonymous variant.
Genome position (GRCh38, 1-based): chr15:63,680,582, C>T on the plus strand (G>A on the coding strand, the complement: HERC1 is on the minus strand). VCF-style: chr15-63680582-C-T. GRCh37 (hg19) VCF-style: chr15-63972781-C-T.
Identifiers: ClinVar variation 709481 (VCV000709481.11), dbSNP rs373459995, ClinGen allele CA7605343.

ClinVar aggregate classification (germline): Benign/Likely benign. Review status: criteria provided, multiple submitters, no conflicts (2 of 4 stars). 3 submissions from 3 submitters: Benign (1); Likely benign (1). 1 of the submissions does not count toward it. Last evaluated 2025-05-15.

Conditions:
HERC1-related disorder. Also called: HERC1-related condition.

Allele frequency attached by ClinVar (database versions not stated): gnomAD exomes 0.00007 and 0.00015; 1000 Genomes Project 30x 0.00016; ExAC 0.00022; ESP Exome Variant Server 0.00075; gnomAD 0.00080 and 0.00086; TOPMed 0.00088.
gnomAD v4.1: 220 of 1,613,740 alleles (0.014%); highest among the groups gnomAD compares: African/African-American, 0.27%; 1 homozygote.

Submissions (3):

Labcorp Genetics (formerly Invitae), Labcorp
Classification: Benign. Last evaluated: 2025-05-15. Review status: criteria provided, single submitter. Criteria: Invitae Variant Classification Sherloc (09022015). Collection method: clinical testing. Allele origin: germline.

Blueprint Genetics
Classification: Likely benign. Last evaluated: 2021-12-17. Review status: criteria provided, single submitter. Criteria: ACMG Guidelines, 2015. Collection method: clinical testing. Allele origin: germline.

PreventionGenetics, part of Exact Sciences
Classification: Likely benign for HERC1-related condition. Last evaluated: 2020-12-22. Review status: no assertion criteria provided. Collection method: clinical testing. Allele origin: germline. Not counted in ClinVar's aggregate classification.
Comment: This variant is classified as likely benign based on ACMG/AMP sequence variant interpretation guidelines (Richards et al. 2015 PMID: 25741868, with internal and published modifications).